The following is an entry in ClinVar:

NM_012308.3(KDM2A):c.2431C>A (p.His811Asn)

Gene: KDM2A (lysine demethylase 2A; plus strand). Cytogenetic location: 11q13.2.
Variant type: single nucleotide variant.
Coding change: c.2431C>A on transcript NM_012308.3 (MANE Select); coding-DNA position 2431, C replaced by A.
Protein change: p.His811Asn; replaces histidine 811 with asparagine.
Molecular consequence: missense variant.
Genome position (GRCh38, 1-based): chr11:67,250,461, C>A. VCF-style: chr11-67250461-C-A. GRCh37 (hg19) VCF-style: chr11-67017932-C-A.
Other names: c.1114C>A, p.His372Asn (NM_001256405.2); short protein forms H372N, H811N.
Identifiers: ClinVar variation 3778796 (VCV003778796.1).
Genomic context (GRCh38, chr11:67,250,461, plus strand): 5'-AAAGCCAAGATCCGGGGATCGTACCTCACTGTCACGCTACAGAGGCCCACCAAAGAGCTC[C>A]ACGGGACATCCATTGTGCCCAAGCTGCAGGCCATCACGGCCTCCTCTGCCAACCTTCGCC-3'
Protein context (NP_036440.1, residues 801-821): VTLQRPTKEL[His811Asn]GTSIVPKLQA

ClinVar aggregate classification (germline): Likely pathogenic (1 of 4 stars; one submission).

Conditions:
KDM2A-related neurodevelopmental disorder.

Submission:

Institute of Human Genetics, University of Leipzig Medical Center
Classification: Likely pathogenic for KDM2A-related neurodevelopmental disorder. Last evaluated: 2025-01-20. Review status: criteria provided, single submitter. Criteria: ACMG Guidelines, 2015. Collection method: research. Allele origin: de novo. Inheritance: Autosomal dominant inheritance. Affected: yes.
Comment: Criteria applied: PS2_MOD, PS3_MOD, PM2, PP2

Literature cited by the submitters: DOI 10.1101/2025.03.31.25324695.